The following is an entry in ClinVar:

ClinVar aggregate classification (germline): Pathogenic/Likely pathogenic. Review status: criteria provided, multiple submitters, no conflicts (2 of 4 stars). 6 submissions from 6 submitters: Pathogenic (3); Likely pathogenic (2). 1 of the submissions does not count toward it. Last evaluated 2025-03-03.

Conditions:
PKHD1-related disorder. Also called: PKHD1-related condition.
Autosomal recessive polycystic kidney disease (ARPKD). Also called: AR polycystic kidney disease. Identifiers: Orphanet 731, Orphanet 8378, MedGen C0085548, MeSH D017044, MONDO:0009889.
Polycystic kidney disease 4 (PKD4). Also called: Autosomal Recessive Polycystic Kidney Disease – PKHD1; PKD3; POLYCYSTIC KIDNEY DISEASE 4 WITH OR WITHOUT POLYCYSTIC LIVER DISEASE; POLYCYSTIC KIDNEY AND HEPATIC DISEASE 1; POLYCYSTIC KIDNEY DISEASE, INFANTILE, TYPE I. Identifiers: MedGen C4540575, MONDO:0033004, OMIM 263200.

Submissions (6):

Natera, Inc.
Classification: Likely pathogenic for Autosomal recessive polycystic kidney disease. Last evaluated: 2025-03-03. Review status: criteria provided, single submitter. Criteria: Natera Variant Classification Schema (03/2026). Collection method: clinical testing. Allele origin: germline.
Comment: The c.10109dupT variant in PKHD1 is a frameshift variant predicted to shift the reading frame beginning at codon 3371 and leads to a stop codon 3 codons downstream. This variant is expected to result in nonsense mediated decay, truncation, or a dysfunctional protein product. This variant is rare in the general population with a frequency below the threshold expected for the associated phenotype(s). Given the available evidence, this variant is classified as Likely Pathogenic.

Victorian Clinical Genetics Services, Murdoch Childrens Research Institute
Classification: Pathogenic for Polycystic kidney disease 4. Last evaluated: 2025-02-20. Review status: criteria provided, single submitter. Criteria: ACMG Guidelines, 2015. Collection method: clinical testing. Allele origin: germline. Affected: yes.
Comment: This variant is classified as Pathogenic. Evidence in support of pathogenic classification: Variant is predicted to cause nonsense-mediated decay (NMD) and loss of protein (premature termination codon is located at least 54 nucleotides upstream of the final exon-exon junction); Variant is absent from gnomAD (v2, v3 and v4); This variant has moderate previous evidence of pathogenicity in unrelated individuals. This variant has been classified twice as pathogenic and twice as likely pathogenic by clinical laboratories (ClinVar); Other NMD-predicted variants comparable to the one identified in this case have very strong previous evidence for pathogenicity (DECIPHER). Additional information: This variant is heterozygous; This gene is associated with autosomal recessive disease; however, there are emerging reports of heterozygous carriers of PKHD1 variants developing liver cysts and nephrocalcinosis (PMID: 21945273, 36691356); Loss of function is a known mechanism of disease in this gene and is associated with polycystic kidney disease 4, with or without hepatic disease (MIM#263200); Variants in this gene are known to have variable expressivity. Significant intrafamilial variability has been reported (PMID: 20301501); Heterozygous variant detected in trans with a second likely PATHOGENIC heterozygous variant (NM_138694.4(PKHD1):c.11881C>T; p.(Arg3961*)) in a recessive disease.

PreventionGenetics, part of Exact Sciences
Classification: Pathogenic for PKHD1-related condition. Last evaluated: 2024-11-22. Review status: criteria provided, single submitter. Criteria: ACMG Guidelines, 2015. Collection method: clinical testing. Allele origin: germline.
Comment: The PKHD1 c.10109dupT variant is predicted to result in a frameshift and premature protein termination (p.Phe3371Ilefs*3). To our knowledge, this variant has not been reported in the literature or in a large population database (gnomAD), indicating this variant is rare. This variant has been interpreted as pathogenic/likely pathogenic in ClinVar. Frameshift variants in PKHD1 are expected to be pathogenic. This variant is interpreted as pathogenic.

Baylor Genetics
Classification: Likely pathogenic for Polycystic kidney disease 4. Last evaluated: 2023-04-26. Review status: criteria provided, single submitter. Criteria: ACMG Guidelines, 2015. Collection method: clinical testing. Allele origin: unknown.

Labcorp Genetics (formerly Invitae), Labcorp
Classification: Pathogenic for Autosomal recessive polycystic kidney disease. Last evaluated: 2021-04-08. Review status: criteria provided, single submitter. Criteria: Invitae Variant Classification Sherloc (09022015). Collection method: clinical testing. Allele origin: germline.
Comment: For these reasons, this variant has been classified as Pathogenic. This variant has not been reported in the literature in individuals with PKHD1-related conditions. ClinVar contains an entry for this variant (Variation ID: 371184). This variant is not present in population databases (ExAC no frequency). This sequence change creates a premature translational stop signal (p.Phe3371Ilefs*3) in the PKHD1 gene. It is expected to result in an absent or disrupted protein product. Loss-of-function variants in PKHD1 are known to be pathogenic (PMID: 19940839).

Counsyl
Classification: Likely pathogenic for Polycystic kidney disease 4. Last evaluated: 2016-07-22. Review status: no assertion criteria provided. Collection method: clinical testing. Allele origin: unknown. Not counted in ClinVar's aggregate classification.

Literature cited by the submitters: PubMed 20301501 (cited by Victorian Clinical Genetics Services, Murdoch Childrens Research Institute); PubMed 36691356 (cited by Victorian Clinical Genetics Services, Murdoch Childrens Research Institute); PubMed 21945273 (cited by Victorian Clinical Genetics Services, Murdoch Childrens Research Institute); PubMed 19940839 (cited by Labcorp Genetics (formerly Invitae), Labcorp).

NM_138694.4(PKHD1):c.10109dup (p.Phe3371fs)

Gene: PKHD1 (PKHD1 ciliary IPT domain containing fibrocystin/polyductin; minus strand). Cytogenetic location: 6p12.3.
Variant type: Duplication.
Coding change: c.10109dup on transcript NM_138694.4 (MANE Select); coding-DNA position 10109, one base duplicated (T; older notation c.10109dupT).
Protein change: p.Phe3371fs; shifts the reading frame from phenylalanine 3371.
Molecular consequence: frameshift variant.
Genome position (GRCh38, 1-based): chr6:51,744,432, A duplicated on the plus strand (T on the coding strand, the reverse complement: PKHD1 is on the minus strand). VCF-style (leftmost placement, unchanged base first): chr6-51744431-T-TA. GRCh37 (hg19) VCF-style: chr6-51609229-T-TA.
Other names: c.10109dup, p.Phe3371fs (NM_170724.3); short protein forms F3371fs.
Identifiers: ClinVar variation 371184 (VCV000371184.15), dbSNP rs1057517071, ClinGen allele CA16041029.